The following is an entry in ClinVar:

ClinVar aggregate classification (germline): Uncertain significance (1 of 4 stars; one submission).

Conditions:
Joubert syndrome 21 (JBTS21). Identifiers: MedGen C3810212, MONDO:0014288, OMIM 615636.

Submission:

Labcorp Genetics (formerly Invitae), Labcorp
Classification: Uncertain significance for Joubert syndrome 21. Last evaluated: 2024-11-19. Review status: criteria provided, single submitter. Criteria: Invitae Variant Classification Sherloc (09022015). Collection method: clinical testing. Allele origin: germline.
Comment: This sequence change replaces arginine, which is basic and polar, with lysine, which is basic and polar, at codon 608 of the CSPP1 protein (p.Arg608Lys). This variant is not present in population databases (gnomAD no frequency). This variant has not been reported in the literature in individuals affected with CSPP1-related conditions. An algorithm developed to predict the effect of missense changes on protein structure and function (PolyPhen-2) suggests that this variant¬†is likely to be tolerated. In summary, the available evidence is currently insufficient to determine the role of this variant in disease. Therefore, it has been classified as a Variant of Uncertain Significance.

NM_001382391.1(CSPP1):c.1838G>A (p.Arg613Lys)

Gene: CSPP1 (centrosome and spindle pole associated protein 1; plus strand). Cytogenetic location: 8q13.2.
Variant type: single nucleotide variant.
Coding change: c.1838G>A on transcript NM_001382391.1 (MANE Select); coding-DNA position 1838, G replaced by A.
Protein change: p.Arg613Lys; replaces arginine 613 with lysine.
Molecular consequence: missense variant.
Genome position (GRCh38, 1-based): chr8:67,137,466, G>A. VCF-style: chr8-67137466-G-A. GRCh37 (hg19) VCF-style: chr8-68049701-G-A.
Other names: c.941G>A, p.Arg314Lys (NM_001291339.2); c.1757G>A, p.Arg586Lys (NM_001363131.2); c.1796G>A, p.Arg599Lys (NM_001363132.2); c.1715G>A, p.Arg572Lys (NM_001363133.2); c.1904G>A, p.Arg635Lys (NM_001364869.1); c.1724G>A, p.Arg575Lys (NM_001364870.1); c.1823G>A, p.Arg608Lys (NM_024790.7); short protein forms R314K, R572K, R575K, R586K, R599K, R608K, R613K, R635K.
Identifiers: ClinVar variation 3613001 (VCV003613001.1).